The following is an entry in ClinVar:

ClinVar aggregate classification (germline): Uncertain significance (1 of 4 stars; one submission).

Conditions:
Cardiovascular phenotype. Identifiers: MedGen CN230736.

Allele frequency attached by ClinVar (database versions not stated): ExAC 0.00001; gnomAD 0.00002; 1000 Genomes Project 30x 0.00016; 1000 Genomes Project 0.00020.
gnomAD v4.1: 4 of 1,607,706 alleles (0.00025%); highest among the groups gnomAD compares: African/African-American, 0.004%; no homozygotes.

Submission:

Ambry Genetics
Classification: Uncertain significance for Cardiovascular phenotype. Last evaluated: 2022-11-15. Review status: criteria provided, single submitter. Criteria: Ambry Variant Classification Scheme 2023. Collection method: clinical testing. Allele origin: germline.
Comment: The c.658-5T>C intronic variant results from a T to C substitution 5 nucleotides upstream from coding exon 7 in the TECRL gene. This nucleotide position is well conserved in available vertebrate species. In silico splice site analysis predicts that this alteration will not have any significant effect on splicing. Since supporting evidence is limited at this time, the clinical significance of this alteration remains unclear.

NM_001010874.5(TECRL):c.658-5T>C

Gene: TECRL (trans-2,3-enoyl-CoA reductase like; minus strand). Cytogenetic location: 4q13.1.
Variant type: single nucleotide variant.
Coding change: c.658-5T>C on transcript NM_001010874.5 (MANE Select); 5 bases into the intron before coding-DNA position 658, T replaced by C.
Molecular consequence: intron variant.
Genome position (GRCh38, 1-based): chr4:64,305,243, A>G on the plus strand (T>C on the coding strand, the complement: TECRL is on the minus strand). VCF-style: chr4-64305243-A-G. GRCh37 (hg19) VCF-style: chr4-65170961-A-G.
Other names: c.658-5T>C (NM_001363796.1).
Identifiers: ClinVar variation 2497302 (VCV002497302.2), dbSNP rs140879966, ClinGen allele CA2935426.